The following is an entry in ClinVar:

ClinVar aggregate classification (germline): Benign (0 of 4 stars; one submission).

Conditions:
CPZ-related disorder. Also called: CPZ-related condition.

Allele frequency attached by ClinVar (database versions not stated): 1000 Genomes Project 30x 0.00890; 1000 Genomes Project 0.00978; ESP Exome Variant Server 0.00008.
gnomAD v4.1: 4,440 of 1,612,870 alleles (0.28%); highest among the groups gnomAD compares: South Asian, 4.6%; 135 homozygotes.

Submission:

PreventionGenetics, part of Exact Sciences
Classification: Benign for CPZ-related condition. Last evaluated: 2019-12-12. Review status: no assertion criteria provided. Collection method: clinical testing. Allele origin: germline.
Comment: This variant is classified as benign based on ACMG/AMP sequence variant interpretation guidelines (Richards et al. 2015 PMID: 25741868, with internal and published modifications).

NM_001014447.3(CPZ):c.903C>G (p.Ala301=)

Gene: CPZ (carboxypeptidase Z; plus strand). Cytogenetic location: 4p16.1.
Variant type: single nucleotide variant.
Coding change: c.903C>G on transcript NM_001014447.3 (MANE Select); coding-DNA position 903, C replaced by G.
Protein change: p.Ala301=; no amino-acid change (alanine 301 retained).
Molecular consequence: synonymous variant.
Genome position (GRCh38, 1-based): chr4:8,606,182, C>G. VCF-style: chr4-8606182-C-G. GRCh37 (hg19) VCF-style: chr4-8607909-C-G.
Other names: c.492C>G, p.Ala164= (NM_001014448.3); c.870C>G, p.Ala290= (NM_003652.4).
Identifiers: ClinVar variation 3033724 (VCV003033724.2), dbSNP rs201543610, ClinGen allele CA2853396.